The following is an entry in ClinVar:

ClinVar aggregate classification (germline): Uncertain significance (1 of 4 stars; one submission).

Conditions:
Early-infantile DEE. Also called: Early infantile epileptic encephalopathy; Early infantile epileptic encephalopathy with suppression bursts; Ohtahara syndrome. Identifiers: Orphanet 1934, MedGen C0393706, MONDO:0800491.

gnomAD v4.1: 4 of 1,613,994 alleles (0.00025%); highest among the groups gnomAD compares: African/African-American, 0.0013%; no homozygotes.

Submission:

Labcorp Genetics (formerly Invitae), Labcorp
Classification: Uncertain significance for Early-infantile DEE. Last evaluated: 2025-07-21. Review status: criteria provided, single submitter. Criteria: Invitae Variant Classification Sherloc (09022015). Collection method: clinical testing. Allele origin: germline.
Comment: This sequence change replaces alanine, which is neutral and non-polar, with threonine, which is neutral and polar, at codon 561 of the KCNH5 protein (p.Ala561Thr). This variant is present in population databases (no rsID available, gnomAD 0.0009%). This variant has not been reported in the literature in individuals affected with KCNH5-related conditions. Invitae Evidence Modeling of protein sequence and biophysical properties (such as structural, functional, and spatial information, amino acid conservation, physicochemical variation, residue mobility, and thermodynamic stability) indicates that this missense variant is not expected to disrupt KCNH5 protein function with a negative predictive value of 95%. In summary, the available evidence is currently insufficient to determine the role of this variant in disease. Therefore, it has been classified as a Variant of Uncertain Significance.

NM_139318.5(KCNH5):c.1681G>A (p.Ala561Thr)

Gene: KCNH5 (potassium voltage-gated channel subfamily H member 5; minus strand). Cytogenetic location: 14q23.2.
Variant type: single nucleotide variant.
Coding change: c.1681G>A on transcript NM_139318.5 (MANE Select); coding-DNA position 1681, G replaced by A.
Protein change: p.Ala561Thr; replaces alanine 561 with threonine.
Molecular consequence: missense variant.
Genome position (GRCh38, 1-based): chr14:62,802,470, C>T on the plus strand (G>A on the coding strand, the complement: KCNH5 is on the minus strand). VCF-style: chr14-62802470-C-T. GRCh37 (hg19) VCF-style: chr14-63269188-C-T.
Other names: c.1681G>A, p.Ala561Thr (NM_172375.3); short protein forms A561T.
Identifiers: ClinVar variation 4749371 (VCV004749371.1).
Genomic context (GRCh38, chr14:62,802,470, plus strand): 5'-CAGCATGGTAAATGAGGTCCCCGGGAGCACAGTGAATGGTTTGGAACTCTACCGCCAAGG[C>T]GCGCAGACACCCATCGCTGGCCAATCGAAAAGCAGGATGTTCATTAAAAACCTTCCGGTT-3'
Protein context (NP_647479.2, residues 551-571): FRLASDGCLR[Ala561Thr]LAVEFQTIHC